The following is an entry in ClinVar:

NM_004655.4(AXIN2):c.1375C>T (p.Arg459Cys)

Gene: AXIN2 (axin 2; minus strand). Cytogenetic location: 17q24.1.
Variant type: single nucleotide variant.
Coding change: c.1375C>T on transcript NM_004655.4 (MANE Select); coding-DNA position 1375, C replaced by T.
Protein change: p.Arg459Cys; replaces arginine 459 with cysteine.
Molecular consequence: missense variant.
Genome position (GRCh38, 1-based): chr17:65,537,661, G>A on the plus strand (C>T on the coding strand, the complement: AXIN2 is on the minus strand). VCF-style: chr17-65537661-G-A. GRCh37 (hg19) VCF-style: chr17-63533779-G-A.
Other names: c.1375C>T (LRG_296t1); c.1375C>T, p.Arg459Cys (NM_001363813.1); short protein forms R459C.
Identifiers: ClinVar variation 533142 (VCV000533142.12), dbSNP rs777680532, ClinGen allele CA400677624.

ClinVar aggregate classification (germline): Uncertain significance. Review status: criteria provided, multiple submitters, no conflicts (2 of 4 stars). 5 submissions from 5 submitters: Uncertain significance (5). Last evaluated 2025-01-09.

Conditions:
Colorectal cancer. Also called: Colorectal cancer, somatic; Malignant Colorectal Neoplasm. Identifiers: MedGen C0346629, MONDO:0005575, OMIM 114500.
Oligodontia-cancer predisposition syndrome. Also called: TOOTH AGENESIS-COLORECTAL CANCER SYNDROME. Identifiers: Orphanet 300576, MedGen C1837750, MONDO:0012075, OMIM 608615. Disease mechanism: loss of function.
Hereditary cancer-predisposing syndrome. Also called: Hereditary neoplastic syndrome; Neoplastic Syndromes, Hereditary; Tumor predisposition; Hereditary Cancer Syndrome. Identifiers: Orphanet 140162, MedGen C0027672, MeSH D009386, MONDO:0015356.

Allele frequency attached by ClinVar (database versions not stated): gnomAD exomes 0.00001.

Submissions (5):

Quest Diagnostics Nichols Institute San Juan Capistrano
Classification: Uncertain significance. Last evaluated: 2025-01-09. Review status: criteria provided, single submitter. Criteria: Quest Diagnostics criteria. Collection method: clinical testing. Allele origin: unknown.
Comment: The AXIN2 c.1375C>T (p.Arg459Cys) variant has not been reported in individuals with AXIN2-related conditions in the published literature. The frequency of this variant in the general population (Genome Aggregation Database) is uninformative in the assessment of its pathogenicity. Analysis of this variant using bioinformatics tools for the prediction of the effect of amino acid changes on protein structure and function yielded conflicting predictions that this variant is deleterious or benign. Based on the available information, we are unable to determine the clinical significance of this variant.

Labcorp Genetics (formerly Invitae), Labcorp
Classification: Uncertain significance for Oligodontia-cancer predisposition syndrome. Last evaluated: 2024-09-18. Review status: criteria provided, single submitter. Criteria: Invitae Variant Classification Sherloc (09022015). Collection method: clinical testing. Allele origin: germline.
Comment: This sequence change replaces arginine, which is basic and polar, with cysteine, which is neutral and slightly polar, at codon 459 of the AXIN2 protein (p.Arg459Cys). The frequency data for this variant in the population databases is considered unreliable, as metrics indicate poor data quality at this position in the gnomAD database. This variant has not been reported in the literature in individuals affected with AXIN2-related conditions. ClinVar contains an entry for this variant (Variation ID: 533142). An algorithm developed to predict the effect of missense changes on protein structure and function (PolyPhen-2) suggests that this variant is likely to be tolerated. In summary, the available evidence is currently insufficient to determine the role of this variant in disease. Therefore, it has been classified as a Variant of Uncertain Significance.

Fulgent Genetics
Classification: Uncertain significance for Colorectal cancer; Oligodontia-cancer predisposition syndrome. Last evaluated: 2024-04-29. Review status: criteria provided, single submitter. Criteria: ACMG Guidelines, 2015. Collection method: clinical testing. Allele origin: germline.

Ambry Genetics
Classification: Uncertain significance for Hereditary cancer-predisposing syndrome. Last evaluated: 2023-12-26. Review status: criteria provided, single submitter. Criteria: Ambry Variant Classification Scheme 2023. Collection method: clinical testing. Allele origin: germline.
Comment: The p.R459C variant (also known as c.1375C>T), located in coding exon 5 of the AXIN2 gene, results from a C to T substitution at nucleotide position 1375. The arginine at codon 459 is replaced by cysteine, an amino acid with highly dissimilar properties. This amino acid position is highly conserved in available vertebrate species. In addition, this alteration is predicted to be tolerated by in silico analysis. Since supporting evidence is limited at this time, the clinical significance of this alteration remains unclear.

Baylor Genetics
Classification: Uncertain significance for Colorectal cancer. Last evaluated: 2023-08-25. Review status: criteria provided, single submitter. Criteria: ACMG Guidelines, 2015. Collection method: clinical testing. Allele origin: unknown.